The following is an entry in ClinVar:

ClinVar aggregate classification (germline): Likely benign. Review status: criteria provided, multiple submitters, no conflicts (2 of 4 stars). 3 submissions from 3 submitters: Likely benign (2). 1 of the submissions does not count toward it. Last evaluated 2025-04-13.

Conditions:
RAI1-related disorder. Also called: RAI1-related condition.
Inborn genetic diseases. Identifiers: MedGen C0950123, MeSH D030342.

Allele frequency attached by ClinVar (database versions not stated): 1000 Genomes Project 30x 0.00016; 1000 Genomes Project 0.00020.
gnomAD v4.1: 31 of 1,612,254 alleles (0.0019%); highest among the groups gnomAD compares: South Asian, 0.024%; no homozygotes.

Submissions (3):

Labcorp Genetics (formerly Invitae), Labcorp
Classification: Likely benign. Last evaluated: 2025-04-13. Review status: criteria provided, single submitter. Criteria: Invitae Variant Classification Sherloc (09022015). Collection method: clinical testing. Allele origin: germline.

Ambry Genetics
Classification: Likely benign for Inborn genetic diseases. Last evaluated: 2018-12-20. Review status: criteria provided, single submitter. Criteria: Ambry Variant Classification Scheme 2023. Collection method: clinical testing. Allele origin: germline.

PreventionGenetics, part of Exact Sciences
Classification: Likely benign for RAI1-related condition. Last evaluated: 2024-03-29. Review status: no assertion criteria provided. Collection method: clinical testing. Allele origin: germline. Not counted in ClinVar's aggregate classification.
Comment: This variant is classified as likely benign based on ACMG/AMP sequence variant interpretation guidelines (Richards et al. 2015 PMID: 25741868, with internal and published modifications).

NM_030665.4(RAI1):c.4386G>A (p.Pro1462=)

Gene: RAI1 (retinoic acid induced 1; plus strand). Cytogenetic location: 17p11.2.
Variant type: single nucleotide variant.
Coding change: c.4386G>A on transcript NM_030665.4 (MANE Select); coding-DNA position 4386, G replaced by A.
Protein change: p.Pro1462=; no amino-acid change (proline 1462 retained).
Molecular consequence: synonymous variant.
Genome position (GRCh38, 1-based): chr17:17,797,334, G>A. VCF-style: chr17-17797334-G-A. GRCh37 (hg19) VCF-style: chr17-17700648-G-A.
Identifiers: ClinVar variation 1635942 (VCV001635942.12), dbSNP rs374921049, ClinGen allele CA8418950.
Genomic context (GRCh38, chr17:17,797,334, plus strand): 5'-GGCGCCTAAGAAGAGGAGCCGGAAAGGCCGGGCAGGGGCCCATGGACTCTCCAAAGGCCC[G>A]CTGGAGAAGCGGCCCTATCTTGGCCCGGCTCTGCTCCTGACTCCCCGAGACAGGGCCAGT-3'
Protein context (NP_109590.3, residues 1452-1472): RAGAHGLSKG[Pro1462=]LEKRPYLGPA